The following is an entry in ClinVar:

ClinVar aggregate classification (germline): Uncertain significance (1 of 4 stars; one submission).

Conditions:
Short-rib thoracic dysplasia 14 with polydactyly (SRTD14). Identifiers: Orphanet 397715, MedGen C4225286, MONDO:0014688, OMIM 616546.
Joubert syndrome 23 (JBTS23). Identifiers: Orphanet 475, MedGen C4084822, MONDO:0014664, OMIM 616490.

Submission:

Labcorp Genetics (formerly Invitae), Labcorp
Classification: Uncertain significance for Joubert syndrome 23; Short-rib thoracic dysplasia 14 with polydactyly. Last evaluated: 2022-09-01. Review status: criteria provided, single submitter. Criteria: Invitae Variant Classification Sherloc (09022015). Collection method: clinical testing. Allele origin: germline.
Comment: This variant has not been reported in the literature in individuals affected with KIAA0586-related conditions. In summary, the available evidence is currently insufficient to determine the role of this variant in disease. Therefore, it has been classified as a Variant of Uncertain Significance. Algorithms developed to predict the effect of missense changes on protein structure and function output the following: SIFT: "Tolerated"; PolyPhen-2: "Benign"; Align-GVGD: "Class C0". The alanine amino acid residue is found in multiple mammalian species, which suggests that this missense change does not adversely affect protein function. This variant is not present in population databases (gnomAD no frequency). This sequence change replaces threonine, which is neutral and polar, with alanine, which is neutral and non-polar, at codon 1323 of the KIAA0586 protein (p.Thr1323Ala).

NM_001329943.3(KIAA0586):c.3808A>G (p.Thr1270Ala)

Gene: KIAA0586 (KIAA0586; plus strand). Cytogenetic location: 14q23.1.
Variant type: single nucleotide variant.
Coding change: c.3808A>G on transcript NM_001329943.3 (MANE Select); coding-DNA position 3808, A replaced by G.
Protein change: p.Thr1270Ala; replaces threonine 1270 with alanine.
Molecular consequence: missense variant.
Genome position (GRCh38, 1-based): chr14:58,490,190, A>G. VCF-style: chr14-58490190-A-G. GRCh37 (hg19) VCF-style: chr14-58956908-A-G.
Other names: c.3967A>G, p.Thr1323Ala (NM_001244189.2); c.3763A>G, p.Thr1255Ala (NM_001244190.2); c.3553A>G, p.Thr1185Ala (NM_001244191.2, NM_001329945.2, NM_001364700.1 and 1 more transcripts); c.3676A>G, p.Thr1226Ala (NM_001244192.2); c.3388A>G, p.Thr1130Ala (NM_001244193.2); c.3808A>G, p.Thr1270Ala (NM_001329944.2, NM_001329946.2, NM_001329947.2); c.3580A>G, p.Thr1194Ala (NM_014749.5); short protein forms T1323A, T1185A, T1255A, T1270A, T1130A, T1194A, T1226A.
Identifiers: ClinVar variation 2200845 (VCV002200845.4), dbSNP rs2543725184, ClinGen allele CA389883388.